The following is an entry in ClinVar:

NM_000548.5(TSC2):c.108G>A (p.Thr36=)

Gene: TSC2 (TSC complex subunit 2; plus strand). Cytogenetic location: 16p13.3.
Variant type: single nucleotide variant.
Coding change: c.108G>A on transcript NM_000548.5 (MANE Select); coding-DNA position 108, G replaced by A.
Protein change: p.Thr36=; no amino-acid change (threonine 36 retained).
Molecular consequence: synonymous variant. On other transcripts: 5 prime UTR variant (1), intron variant (1).
Genome position (GRCh38, 1-based): chr16:2,048,723, G>A. VCF-style: chr16-2048723-G-A. GRCh37 (hg19) VCF-style: chr16-2098724-G-A.
Other names: c.108G>A, p.Thr36= (NM_001077183.3, NM_001114382.3, NM_001318827.2 and 4 more transcripts); c.-119G>A (NM_001318831.2); c.141G>A, p.Thr47= (NM_001318832.2); c.-10+658G>A (NM_001318829.2).
Identifiers: ClinVar variation 413639 (VCV000413639.19), dbSNP rs781075483, ClinGen allele CA028121.

ClinVar aggregate classification (germline): Benign/Likely benign. Review status: criteria provided, multiple submitters, no conflicts (2 of 4 stars). 7 submissions from 7 submitters: Benign (3); Likely benign (4). Last evaluated 2025-12-21.

Conditions:
Hereditary cancer-predisposing syndrome. Also called: Tumor predisposition; Neoplastic Syndromes, Hereditary; Hereditary Cancer Syndrome; Hereditary neoplastic syndrome. Identifiers: Orphanet 140162, MedGen C0027672, MeSH D009386, MONDO:0015356.
Tuberous sclerosis syndrome (TSC). Also called: Tuberous Sclerosis Complex; Tuberous sclerosis. Identifiers: Orphanet 805, MedGen C0041341, MONDO:0001734.
Tuberous sclerosis 2 (TSC2). Identifiers: Orphanet 805, MedGen C1860707, MONDO:0013199, OMIM 613254.

Allele frequency attached by ClinVar (database versions not stated): ExAC 0.00001; gnomAD exomes 0.00001; TOPMed 0.00002; gnomAD 0.00003.
gnomAD v4.1: 13 of 1,613,936 alleles (0.00081%); highest among the groups gnomAD compares: African/African-American, 0.011%; no homozygotes.

Submissions (7):

Labcorp Genetics (formerly Invitae), Labcorp
Classification: Likely benign for Tuberous sclerosis 2. Last evaluated: 2025-12-21. Review status: criteria provided, single submitter. Criteria: Invitae Variant Classification Sherloc (09022015). Collection method: clinical testing. Allele origin: germline.

Myriad Genetics, Inc.
Classification: Benign for Tuberous sclerosis 2. Last evaluated: 2025-04-30. Review status: criteria provided, single submitter. Criteria: Myriad Autosomal Dominant, Autosomal Recessive and X-Linked Classification Criteria (2023). Collection method: clinical testing. Allele origin: unknown.
Comment: This variant is considered benign. This variant is a silent/synonymous amino acid change and it is not expected to impact splicing.

All of Us Research Program, National Institutes of Health
Classification: Likely benign for Tuberous sclerosis syndrome. Last evaluated: 2023-11-02. Review status: criteria provided, single submitter. Criteria: ACMG Guidelines, 2015. Collection method: clinical testing. Allele origin: germline. Inheritance: Autosomal dominant inheritance. Observed: 1 variant allele, 1 heterozygote.
Comment: This study involves interpretation of variants in research participants for the purpose of population health screening. Participant phenotype was not available at the time of variant classification. Additional details can be found in publication PMID: 35346344, PMCID: PMC8962531

Color Diagnostics, LLC DBA Color Health
Classification: Likely benign for Tuberous sclerosis syndrome. Last evaluated: 2022-09-07. Review status: criteria provided, single submitter. Criteria: ACMG Guidelines, 2015. Collection method: clinical testing. Allele origin: germline.

Ambry Genetics
Classification: Benign for Hereditary cancer-predisposing syndrome. Last evaluated: 2021-11-16. Review status: criteria provided, single submitter. Criteria: Ambry Variant Classification Scheme 2023. Collection method: clinical testing. Allele origin: germline.

Genome-Nilou Lab
Classification: Benign for Tuberous sclerosis 2. Last evaluated: 2021-11-07. Review status: criteria provided, single submitter. Criteria: ACMG Guidelines, 2015. Collection method: clinical testing. Allele origin: germline. Affected: no.

GeneDx
Classification: Likely benign. Last evaluated: 2020-11-20. Review status: criteria provided, single submitter. Criteria: GeneDx Variant Classification Process June 2021. Collection method: clinical testing. Allele origin: germline. Affected: yes.